The following is an entry in ClinVar:

ClinVar aggregate classification (germline): Uncertain significance (1 of 4 stars; one submission).

Submission:

GeneDx
Classification: Uncertain significance. Last evaluated: 2023-05-15. Review status: criteria provided, single submitter. Criteria: GeneDx Variant Classification Process June 2021. Collection method: clinical testing. Allele origin: germline. Affected: yes.
Comment: Not observed at significant frequency in large population cohorts (gnomAD); In silico analysis supports that this missense variant does not alter protein structure/function; Has not been previously published as pathogenic or benign to our knowledge

NM_031407.7(HUWE1):c.7532A>G (p.Asn2511Ser)

Gene: HUWE1 (HECT, UBA and WWE domain containing E3 ubiquitin protein ligase 1; minus strand). Cytogenetic location: Xp11.22.
Variant type: single nucleotide variant.
Coding change: c.7532A>G on transcript NM_031407.7 (MANE Select); coding-DNA position 7532, A replaced by G.
Protein change: p.Asn2511Ser; replaces asparagine 2511 with serine.
Molecular consequence: missense variant.
Genome position (GRCh38, 1-based): chrX:53,560,392, T>C on the plus strand (A>G on the coding strand, the complement: HUWE1 is on the minus strand). VCF-style: chrX-53560392-T-C. GRCh37 (hg19) VCF-style: chrX-53587353-T-C.
Other names: short protein forms N2511S.
Identifiers: ClinVar variation 3343377 (VCV003343377.1).
Genomic context (GRCh38, chrX:53,560,392, plus strand): 5'-CCCAGTGTCAGAGAACTGTGGTCTGCATGGCGCACCATCAGTGGATGGGTGGTAGGGATA[T>C]TTCCTGGGGATGGGGGGATGTCTGCTGCAAGGACAATATGTAAAAGGGTCAGTGTCAAAA-3'
Protein context (NP_113584.3, residues 2501-2521): SATDIPPSPG[Asn2511Ser]IPTTHPLMVR